The following is an entry in ClinVar:

ClinVar aggregate classification (germline): Uncertain significance (1 of 4 stars; one submission).

Conditions:
Combined immunodeficiency due to DOCK8 deficiency (HIES2). Also called: HYPER-IgE RECURRENT INFECTION SYNDROME 2, AUTOSOMAL RECESSIVE; HYPER-IgE SYNDROME 2, AUTOSOMAL RECESSIVE, WITH RECURRENT INFECTIONS; HIES autosomal recessive; DOCK8 Deficiency; Hyper-IgE recurrent infection syndrome, autosomal recessive. Identifiers: Orphanet 217390, MedGen C4722305, MONDO:0009478, OMIM 243700.

Submission:

Labcorp Genetics (formerly Invitae), Labcorp
Classification: Uncertain significance for Combined immunodeficiency due to DOCK8 deficiency. Last evaluated: 2021-05-16. Review status: criteria provided, single submitter. Criteria: Invitae Variant Classification Sherloc (09022015). Collection method: clinical testing. Allele origin: germline.
Comment: This sequence change replaces isoleucine with serine at codon 1327 of the DOCK8 protein (p.Ile1327Ser). The isoleucine residue is moderately conserved and there is a large physicochemical difference between isoleucine and serine. This variant is not present in population databases (ExAC no frequency). This variant has not been reported in the literature in individuals with DOCK8-related conditions. Algorithms developed to predict the effect of missense changes on protein structure and function (SIFT, PolyPhen-2, Align-GVGD) all suggest that this variant is likely to be disruptive, but these predictions have not been confirmed by published functional studies and their clinical significance is uncertain. In summary, the available evidence is currently insufficient to determine the role of this variant in disease. Therefore, it has been classified as a Variant of Uncertain Significance.

NM_203447.4(DOCK8):c.3980T>G (p.Ile1327Ser)

Gene: DOCK8 (dedicator of cytokinesis 8; plus strand). Cytogenetic location: 9p24.3.
Variant type: single nucleotide variant.
Coding change: c.3980T>G on transcript NM_203447.4 (MANE Select); coding-DNA position 3980, T replaced by G.
Protein change: p.Ile1327Ser; replaces isoleucine 1327 with serine.
Molecular consequence: missense variant.
Genome position (GRCh38, 1-based): chr9:420,540, T>G. VCF-style: chr9-420540-T-G. GRCh37 (hg19) VCF-style: chr9-420540-T-G.
Other names: c.3680T>G, p.Ile1227Ser (NM_001190458.2); c.3776T>G, p.Ile1259Ser (NM_001193536.2); short protein forms I1227S, I1259S, I1327S.
Identifiers: ClinVar variation 1353948 (VCV001353948.8), dbSNP rs1377218107, ClinGen allele CA372764060.